The following is an entry in ClinVar:

ClinVar aggregate classification (germline): Uncertain significance (1 of 4 stars; one submission).

Allele frequency attached by ClinVar (database versions not stated): 1000 Genomes Project 0.00040; ESP Exome Variant Server 0.00041; 1000 Genomes Project 30x 0.00047.
gnomAD v4.1: 43 of 1,548,822 alleles (0.0028%); highest among the groups gnomAD compares: African/African-American, 0.048%; no homozygotes.

Submission:

Labcorp Genetics (formerly Invitae), Labcorp
Classification: Uncertain significance. Last evaluated: 2021-08-26. Review status: criteria provided, single submitter. Criteria: Invitae Variant Classification Sherloc (09022015). Collection method: clinical testing. Allele origin: germline.
Comment: This sequence change replaces arginine with proline at codon 663 of the RASGRP1 protein (p.Arg663Pro). The arginine residue is moderately conserved and there is a moderate physicochemical difference between arginine and proline. This variant is present in population databases (rs144303289, ExAC 0.1%). This variant has not been reported in the literature in individuals affected with RASGRP1-related conditions. Algorithms developed to predict the effect of missense changes on protein structure and function are either unavailable or do not agree on the potential impact of this missense change (SIFT: "Tolerated"; PolyPhen-2: "Possibly Damaging"; Align-GVGD: "Class C0"). In summary, the available evidence is currently insufficient to determine the role of this variant in disease. Therefore, it has been classified as a Variant of Uncertain Significance.

NM_005739.4(RASGRP1):c.1988G>C (p.Arg663Pro)

Gene: RASGRP1 (RAS guanyl releasing protein 1; minus strand). Cytogenetic location: 15q14.
Variant type: single nucleotide variant.
Coding change: c.1988G>C on transcript NM_005739.4 (MANE Select); coding-DNA position 1988, G replaced by C.
Protein change: p.Arg663Pro; replaces arginine 663 with proline.
Molecular consequence: missense variant. On other transcripts: intron variant (1).
Genome position (GRCh38, 1-based): chr15:38,494,653, C>G on the plus strand (G>C on the coding strand, the complement: RASGRP1 is on the minus strand). VCF-style: chr15-38494653-C-G. GRCh37 (hg19) VCF-style: chr15-38786854-C-G.
Other names: c.1883G>C, p.Arg628Pro (NM_001128602.2); c.1769-3965G>C (NM_001306086.2); short protein forms R628P, R663P.
Identifiers: ClinVar variation 1354023 (VCV001354023.5), dbSNP rs144303289, ClinGen allele CA7470698.